The following is an entry in ClinVar:

NM_001128225.3(SLC39A13):c.234G>A (p.Val78=)

Gene: SLC39A13 (solute carrier family 39 member 13; plus strand). Cytogenetic location: 11p11.2.
Variant type: single nucleotide variant.
Coding change: c.234G>A on transcript NM_001128225.3 (MANE Select); coding-DNA position 234, G replaced by A.
Protein change: p.Val78=; no amino-acid change (valine 78 retained).
Molecular consequence: synonymous variant. On other transcripts: non-coding transcript variant (1).
Genome position (GRCh38, 1-based): chr11:47,410,328, G>A. VCF-style: chr11-47410328-G-A. GRCh37 (hg19) VCF-style: chr11-47431879-G-A.
Other names: c.234G>A, p.Val78= (NM_001330245.2, NM_152264.5).
Identifiers: ClinVar variation 1499285 (VCV001499285.6), dbSNP rs140298838, ClinGen allele CA5975694.

ClinVar aggregate classification (germline): Uncertain significance (1 of 4 stars; one submission).

Conditions:
Ehlers-Danlos syndrome, spondylodysplastic type, 3. Also called: Ehlers-Danlos syndrome, spondylocheirodysplastic type. Identifiers: Orphanet 157965, MedGen C2676510, MONDO:0012873, OMIM 612350.

Allele frequency attached by ClinVar (database versions not stated): gnomAD exomes 0.00001; gnomAD 0.00001; TOPMed 0.00001; ESP Exome Variant Server 0.00008; ExAC 0.00002.
gnomAD v4.1: 13 of 1,614,034 alleles (0.00081%); highest among the groups gnomAD compares: Non-Finnish European, 0.0011%; no homozygotes.

Submission:

Labcorp Genetics (formerly Invitae), Labcorp
Classification: Uncertain significance for Ehlers-Danlos syndrome, spondylodysplastic type, 3. Last evaluated: 2021-10-04. Review status: criteria provided, single submitter. Criteria: Invitae Variant Classification Sherloc (09022015). Collection method: clinical testing. Allele origin: germline.
Comment: In summary, the available evidence is currently insufficient to determine the role of this variant in disease. Therefore, it has been classified as a Variant of Uncertain Significance. Algorithms developed to predict the effect of sequence changes on RNA splicing suggest that this variant may create or strengthen a splice site. This variant has not been reported in the literature in individuals affected with SLC39A13-related conditions. This variant is present in population databases (rs140298838, ExAC 0.003%). This sequence change affects codon 78 of the SLC39A13 mRNA. It is a 'silent' change, meaning that it does not change the encoded amino acid sequence of the SLC39A13 protein.